The following is an entry in ClinVar:

NM_004415.4(DSP):c.5767G>C (p.Glu1923Gln)

Gene: DSP (desmoplakin; plus strand). Cytogenetic location: 6p24.3.
Variant type: single nucleotide variant.
Coding change: c.5767G>C on transcript NM_004415.4 (MANE Select); coding-DNA position 5767, G replaced by C.
Protein change: p.Glu1923Gln; replaces glutamic acid 1923 with glutamine.
Molecular consequence: missense variant.
Genome position (GRCh38, 1-based): chr6:7,583,029, G>C. VCF-style: chr6-7583029-G-C. GRCh37 (hg19) VCF-style: chr6-7583262-G-C.
Other names: c.5767G>C (LRG_423t1); c.3970G>C, p.Glu1324Gln (NM_001008844.3); c.4438G>C, p.Glu1480Gln (NM_001319034.2); short protein forms E1923Q, E1480Q, E1324Q.
Identifiers: ClinVar variation 572493 (VCV000572493.9), dbSNP rs397516948, ClinGen allele CA362689370.

ClinVar aggregate classification (germline): Uncertain significance. Review status: criteria provided, multiple submitters, no conflicts (2 of 4 stars). 2 submissions from 2 submitters: Uncertain significance (2). Last evaluated 2025-12-02.

Conditions:
Arrhythmogenic cardiomyopathy with wooly hair and keratoderma. Also called: PALMOPLANTAR KERATODERMA WITH LEFT VENTRICULAR CARDIOMYOPATHY AND WOOLLY HAIR; Arrhythmogenic cardiomyopathy with woolly hair and keratoderma; Carvajal syndrome; Dilated cardiomyopathy with woolly hair and keratoderma. Identifiers: Orphanet 65282, MedGen C1854063, MONDO:0011581, OMIM 605676.
Arrhythmogenic right ventricular dysplasia 8 (ARVD8). Also called: Arrhythmogenic Right Ventricular Dysplasia/Cardiomyopathy 8; ARRHYTHMOGENIC RIGHT VENTRICULAR DYSPLASIA, FAMILIAL, 8; ARRHYTHMOGENIC RIGHT VENTRICULAR CARDIOMYOPATHY 8. Identifiers: MedGen C1843896, MONDO:0011831, OMIM 607450.
Cardiovascular phenotype. Identifiers: MedGen CN230736.

gnomAD v4.1: 1 of 1,614,066 alleles (0.000062%); no homozygotes.

Submissions (2):

Ambry Genetics
Classification: Uncertain significance for Cardiovascular phenotype. Last evaluated: 2025-12-02. Review status: criteria provided, single submitter. Criteria: Ambry Variant Classification Scheme 2023. Collection method: clinical testing. Allele origin: germline.
Comment: The p.E1923Q variant (also known as c.5767G>C), located in coding exon 24 of the DSP gene, results from a G to C substitution at nucleotide position 5767. The glutamic acid at codon 1923 is replaced by glutamine, an amino acid with highly similar properties. This amino acid position is conserved. In addition, this alteration is predicted to be tolerated by in silico analysis. Based on the available evidence, the clinical significance of this variant remains unclear.

Labcorp Genetics (formerly Invitae), Labcorp
Classification: Uncertain significance for Arrhythmogenic cardiomyopathy with wooly hair and keratoderma; Arrhythmogenic right ventricular dysplasia 8. Last evaluated: 2023-08-10. Review status: criteria provided, single submitter. Criteria: Invitae Variant Classification Sherloc (09022015). Collection method: clinical testing. Allele origin: germline.
Comment: In summary, the available evidence is currently insufficient to determine the role of this variant in disease. Therefore, it has been classified as a Variant of Uncertain Significance. An algorithm developed to predict the effect of missense changes on protein structure and function (PolyPhen-2) suggests that this variant¬¨‚Ä†is likely to be tolerated. ClinVar contains an entry for this variant (Variation ID: 572493). This variant has not been reported in the literature in individuals affected with DSP-related conditions. This variant is not present in population databases (gnomAD no frequency). This sequence change replaces glutamic acid, which is acidic and polar, with glutamine, which is neutral and polar, at codon 1923 of the DSP protein (p.Glu1923Gln).